The following is an entry in ClinVar:

NC_012920.1(MT-CO3):m.9480T>C

Gene: MT-CO3 (mitochondrially encoded cytochrome c oxidase III; plus strand).
Variant type: single nucleotide variant.
Genome position: chrM-9480-T-C.
Identifiers: ClinVar variation 693172 (VCV000693172.1), dbSNP rs1603222335, ClinGen allele CA414803032.
Genomic context (GRCh38, chrMT:9,480, plus strand): 5'-ACACCACCTGTCCAAAAAGGCCTTCGATACGGGATAATCCTATTTATTACCTCAGAAGTT[T>C]TTTTCTTCGCAGGATTTTTCTGAGCCTTTTACCACTCCAGCCTAGCCCCTACCCCCCAAT-3'

ClinVar aggregate classification (germline): Uncertain significance (1 of 4 stars; one submission).

Conditions:
Leigh syndrome (NULS). Also called: Leigh's necrotizing encephalopathy; Leigh's disease; Leigh Syndrome (mtDNA deletion); Leigh Disease; Subacute necrotizing encephalopathy; Necrotizing encephalopathy infantile subacute of Leigh. Identifiers: Orphanet 506, MedGen C2931891, MONDO:0009723, OMIM 256000.

Submission:

Wong Mito Lab, Molecular and Human Genetics, Baylor College of Medicine
Classification: Uncertain significance for Leigh syndrome. Last evaluated: 2019-10-17. Review status: criteria provided, single submitter. Criteria: Modified ACMG Guidelines (Unpublished). Collection method: clinical testing. Allele origin: germline.
Comment: The NC_012920.1:m.9480T>C (YP_003024032.1:p.Phe92Leu) variant in MTCO3 gene is interpretated to be a Uncertain Significance variant based on the modified ACMG guidelines (unpublished). This variant meets the following evidence codes: BS1, PP6